The following is an entry in ClinVar:

NM_025003.5(ADAMTS20):c.4848C>T (p.Thr1616=)

Gene: ADAMTS20 (ADAM metallopeptidase with thrombospondin type 1 motif 20; minus strand). Cytogenetic location: 12q12.
Variant type: single nucleotide variant.
Coding change: c.4848C>T on transcript NM_025003.5 (MANE Select); coding-DNA position 4848, C replaced by T.
Protein change: p.Thr1616=; no amino-acid change (threonine 1616 retained).
Molecular consequence: synonymous variant.
Genome position (GRCh38, 1-based): chr12:43,377,512, G>A on the plus strand (C>T on the coding strand, the complement: ADAMTS20 is on the minus strand). VCF-style: chr12-43377512-G-A. GRCh37 (hg19) VCF-style: chr12-43771315-G-A.
Other names: c.4848C>T, p.Thr1616= (NM_001077205.1).
Identifiers: ClinVar variation 2642902 (VCV002642902.24), dbSNP rs145474293, ClinGen allele CA6520288.

ClinVar aggregate classification (germline): Likely benign (1 of 4 stars; one submission).

Allele frequency attached by ClinVar (database versions not stated): gnomAD exomes 0.00006; gnomAD 0.00012; ExAC 0.00014; 1000 Genomes Project 30x 0.00062; 1000 Genomes Project 0.00080; ESP Exome Variant Server 0.00015; TOPMed 0.00023.
gnomAD v4.1: 109 of 1,613,464 alleles (0.0068%); highest among the groups gnomAD compares: Admixed American, 0.028%; 1 homozygote.

Submission:

CeGaT Center for Human Genetics Tuebingen
Classification: Likely benign. Last evaluated: 2022-10-01. Review status: criteria provided, single submitter. Criteria: CeGaT Center For Human Genetics Tuebingen Variant Classification Criteria Version 2. Collection method: clinical testing. Allele origin: germline. Affected: yes. Observed: 1 variant allele.
Comment: ADAMTS20: BP4, BP7